The following is an entry in ClinVar:

ClinVar aggregate classification (germline): Uncertain significance. Review status: criteria provided, multiple submitters, no conflicts (2 of 4 stars). 2 submissions from 2 submitters: Uncertain significance (2). Last evaluated 2025-04-01.

Conditions:
Inborn genetic diseases. Identifiers: MedGen C0950123, MeSH D030342.
Muscular dystrophy-dystroglycanopathy (congenital with brain and eye anomalies), type a, 8 (MDDGA8). Also called: WALKER-WARBURG SYNDROME OR MUSCLE-EYE-BRAIN DISEASE, GTDC2-RELATED. Identifiers: Orphanet 899, MedGen C3553813, MONDO:0013904, OMIM 614830.

Allele frequency attached by ClinVar (database versions not stated): ExAC 0.00001; ESP Exome Variant Server 0.00008; gnomAD exomes below 0.00001; TOPMed 0.00002.
gnomAD v4.1: 1 of 1,614,184 alleles (0.000062%); highest among the groups gnomAD compares: African/African-American, 0.0013%; no homozygotes.

Submissions (2):

Ambry Genetics
Classification: Uncertain significance for Inborn genetic diseases. Last evaluated: 2025-04-01. Review status: criteria provided, single submitter. Criteria: Ambry Variant Classification Scheme 2023. Collection method: clinical testing. Allele origin: germline.

Labcorp Genetics (formerly Invitae), Labcorp
Classification: Uncertain significance for Muscular dystrophy-dystroglycanopathy (congenital with brain and eye anomalies), type a, 8. Last evaluated: 2022-11-15. Review status: criteria provided, single submitter. Criteria: Invitae Variant Classification Sherloc (09022015). Collection method: clinical testing. Allele origin: germline.
Comment: ClinVar contains an entry for this variant (Variation ID: 843491). In summary, the available evidence is currently insufficient to determine the role of this variant in disease. Therefore, it has been classified as a Variant of Uncertain Significance. Advanced modeling of protein sequence and biophysical properties (such as structural, functional, and spatial information, amino acid conservation, physicochemical variation, residue mobility, and thermodynamic stability) performed at Invitae indicates that this missense variant is not expected to disrupt POMGNT2 protein function. This variant has not been reported in the literature in individuals affected with POMGNT2-related conditions. This variant is present in population databases (rs377756333, gnomAD 0.007%). This sequence change replaces serine, which is neutral and polar, with asparagine, which is neutral and polar, at codon 336 of the POMGNT2 protein (p.Ser336Asn).

NM_032806.6(POMGNT2):c.1007G>A (p.Ser336Asn)

Gene: POMGNT2 (protein O-linked mannose N-acetylglucosaminyltransferase 2 (beta 1,4-); minus strand). Cytogenetic location: 3p22.1.
Variant type: single nucleotide variant.
Coding change: c.1007G>A on transcript NM_032806.6 (MANE Select); coding-DNA position 1007, G replaced by A.
Protein change: p.Ser336Asn; replaces serine 336 with asparagine.
Molecular consequence: missense variant.
Genome position (GRCh38, 1-based): chr3:43,080,425, C>T on the plus strand (G>A on the coding strand, the complement: POMGNT2 is on the minus strand). VCF-style: chr3-43080425-C-T. GRCh37 (hg19) VCF-style: chr3-43121917-C-T.
Other names: c.1007G>A (NM_032806.4); short protein forms S336N.
Identifiers: ClinVar variation 843491 (VCV000843491.5), dbSNP rs377756333, ClinGen allele CA2339952.